The following is an entry in ClinVar:

NM_003072.5(SMARCA4):c.52C>G (p.Pro18Ala)

Gene: SMARCA4 (SWI/SNF related BAF chromatin remodeling complex subunit ATPase 4; plus strand). Cytogenetic location: 19p13.2.
Variant type: single nucleotide variant.
Coding change: c.52C>G on transcript NM_003072.5 (MANE Select); coding-DNA position 52, C replaced by G.
Protein change: p.Pro18Ala; replaces proline 18 with alanine.
Molecular consequence: missense variant. On other transcripts: non-coding transcript variant (1).
Genome position (GRCh38, 1-based): chr19:10,984,203, C>G. VCF-style: chr19-10984203-C-G. GRCh37 (hg19) VCF-style: chr19-11094879-C-G.
Other names: c.52C>G, p.Pro18Ala (NM_001128844.3, NM_001128845.2, NM_001128846.2 and 6 more transcripts); short protein forms P18A.
Identifiers: ClinVar variation 3446029 (VCV003446029.1).

ClinVar aggregate classification (germline): Uncertain significance (1 of 4 stars; one submission).

Conditions:
Hereditary cancer-predisposing syndrome. Also called: Tumor predisposition; Neoplastic Syndromes, Hereditary; Hereditary neoplastic syndrome; Hereditary Cancer Syndrome. Identifiers: Orphanet 140162, MedGen C0027672, MeSH D009386, MONDO:0015356.

Submission:

Ambry Genetics
Classification: Uncertain significance for Hereditary cancer-predisposing syndrome. Last evaluated: 2024-11-23. Review status: criteria provided, single submitter. Criteria: Ambry Variant Classification Scheme 2023. Collection method: clinical testing. Allele origin: germline.
Comment: The p.P18A variant (also known as c.52C>G), located in coding exon 1 of the SMARCA4 gene, results from a C to G substitution at nucleotide position 52. The proline at codon 18 is replaced by alanine, an amino acid with highly similar properties. This amino acid position is conserved. In addition, the in silico prediction for this alteration is inconclusive. Based on the available evidence, the clinical significance of this variant remains unclear.